The following is an entry in ClinVar:

ClinVar aggregate classification (germline): Conflicting classifications of pathogenicity. Review status: criteria provided, conflicting classifications (1 of 4 stars). 2 submissions from 2 submitters: Uncertain significance (1); Likely benign (1). Last evaluated 2022-10-13.

Conditions:
Hereditary cancer-predisposing syndrome. Also called: Hereditary Cancer Syndrome; Hereditary neoplastic syndrome; Neoplastic Syndromes, Hereditary; Tumor predisposition. Identifiers: Orphanet 140162, MedGen C0027672, MeSH D009386, MONDO:0015356.

Allele frequency attached by ClinVar (database versions not stated): gnomAD exomes below 0.00001.
gnomAD v4.1: 2 of 1,610,272 alleles (0.00012%); highest among the groups gnomAD compares: Middle Eastern, 0.017%; no homozygotes.

Submissions (2):

Ambry Genetics
Classification: Likely benign for Hereditary cancer-predisposing syndrome. Last evaluated: 2022-10-13. Review status: criteria provided, single submitter. Criteria: Ambry Variant Classification Scheme 2023. Collection method: clinical testing. Allele origin: germline.

Labcorp Genetics (formerly Invitae), Labcorp
Classification: Uncertain significance for Hereditary cancer-predisposing syndrome. Last evaluated: 2015-05-09. Review status: criteria provided, single submitter. Criteria: Invitae Variant Classification Sherloc (09022015). Collection method: clinical testing. Allele origin: germline.
Comment: This sequence change falls in intron 12 of the MRE11A mRNA. It does not directly change the encoded amino acid sequence of the MRE11A protein. This variant has not been published in the literature and is not present in population databases. Algorithms developed to predict the effect of nucleotide changes on mRNA splicing suggest that this intronic variant may alter mRNA splicing, but this prediction has not been confirmed by published transcriptional studies. In summary, this is a novel intronic change with uncertain impact on splicing. It has been classified as a Variant of Uncertain Significance.

NM_005591.4(MRE11):c.1326+3A>G

Gene: MRE11 (MRE11 double strand break repair nuclease; minus strand). Cytogenetic location: 11q21.
Variant type: single nucleotide variant.
Coding change: c.1326+3A>G on transcript NM_005591.4 (MANE Select); 3 bases into the intron after coding-DNA position 1326, A replaced by G.
Molecular consequence: intron variant.
Genome position (GRCh38, 1-based): chr11:94,460,933, T>C on the plus strand (A>G on the coding strand, the complement: MRE11 is on the minus strand). VCF-style: chr11-94460933-T-C. GRCh37 (hg19) VCF-style: chr11-94194099-T-C.
Other names: c.1326+3A>G (NM_001330347.2, NM_005590.4).
Identifiers: ClinVar variation 216607 (VCV000216607.9), dbSNP rs863224735, ClinGen allele CA336989.
Genomic context (GRCh38, chr11:94,460,933, plus strand): 5'-CCTAAATTAAAATCTGTTACTATAAGGTAGCCATTATTCAAAATGTGAACTGTAAGAAAT[T>C]ACCTTCTCTGCGGTTTGAAAGTACTGTTTTACAAGATCTTCTACCCTTAAAGTTGTTCCT-3'